The following is an entry in ClinVar:

NM_000419.5(ITGA2B):c.1201G>T (p.Gly401Cys)

Gene: ITGA2B (integrin subunit alpha 2b; minus strand). Cytogenetic location: 17q21.31.
Variant type: single nucleotide variant.
Coding change: c.1201G>T on transcript NM_000419.5 (MANE Select); coding-DNA position 1201, G replaced by T.
Protein change: p.Gly401Cys; replaces glycine 401 with cysteine.
Molecular consequence: missense variant.
Genome position (GRCh38, 1-based): chr17:44,383,502, C>A on the plus strand (G>T on the coding strand, the complement: ITGA2B is on the minus strand). VCF-style: chr17-44383502-C-A. GRCh37 (hg19) VCF-style: chr17-42460870-C-A.
Other names: short protein forms G401C.
Identifiers: ClinVar variation 996180 (VCV000996180.3), dbSNP rs2048613694, ClinGen allele CA399804280.

ClinVar aggregate classification (germline): Likely pathogenic (3 of 4 stars; one submission).

Conditions:
Glanzmann thrombasthenia. Also called: Glanzmann's thrombasthenia; PLATELET GLYCOPROTEIN IIb-IIIa DEFICIENCY; BLEEDING DISORDER, PLATELET-TYPE, 2; THROMBASTHENIA OF GLANZMANN AND NAEGELI; Thrombasthenia. Identifiers: Orphanet 849, MedGen C0040015, MONDO:0100326.

Submission:

ClinGen Platelet Disorders Variant Curation Expert Panel, ClinGen
Classification: Likely pathogenic for Glanzmann thrombasthenia. Last evaluated: 2023-11-02. Review status: reviewed by expert panel. Criteria: ClinGen Platelet ACMG Specifications v2-1. Collection method: curation. Allele origin: germline. Inheritance: Autosomal recessive inheritance.
Comment: The ITGA2B missense variant NM_000419.5:c.1201G>T replaces the glycine residue with a cysteine residue (p.Gly401Cys). This variant has been observed in a proband (PMID 25728920) with a phenotype specific for Glanzmann's thrombasthenia (PP4_strong) who also harbors a second ITGA2B variant (c.2800G>T, p.Val934Phe) previously classified by the VCEP as likely pathogenic, however the phase of these variants is unconfirmed. This variant has not been observed in population databases (absent from gnomAD v2.1.1 and v3; PM2_supporting) and the in silico meta-predictor REVEL score for this variant is 0.746 (above the VCEP-established threshold of 0.7; PP3). In summary, this variant is classified as likely pathogenic for GT. GT-specific criteria applied: PM2_supporting, PP3, and PP4_strong.